The following is an entry in ClinVar:

NM_003931.3(WASF1):c.341G>C (p.Arg114Pro)

Gene: WASF1 (WASP family member 1; minus strand). Cytogenetic location: 6q21.
Variant type: single nucleotide variant.
Coding change: c.341G>C on transcript NM_003931.3 (MANE Select); coding-DNA position 341, G replaced by C.
Protein change: p.Arg114Pro; replaces arginine 114 with proline.
Molecular consequence: missense variant.
Genome position (GRCh38, 1-based): chr6:110,108,609, C>G on the plus strand (G>C on the coding strand, the complement: WASF1 is on the minus strand). VCF-style: chr6-110108609-C-G. GRCh37 (hg19) VCF-style: chr6-110429812-C-G.
Other names: c.341G>C, p.Arg114Pro (NM_001024935.2, NM_001024936.2, NM_001024934.2); short protein forms R114P.
Identifiers: ClinVar variation 2635819 (VCV002635819.1), dbSNP rs2534229823, ClinGen allele CA365352079.

ClinVar aggregate classification (germline): Uncertain significance (1 of 4 stars; one submission).

Conditions:
WASF1-related disorder. Also called: WASF1-related condition.

gnomAD v4.1: 6 of 1,613,974 alleles (0.00037%); highest among the groups gnomAD compares: Non-Finnish European, 0.00051%; no homozygotes.

Submission:

PreventionGenetics, part of Exact Sciences
Classification: Uncertain significance for WASF1-related condition. Last evaluated: 2023-09-26. Review status: criteria provided, single submitter. Criteria: ACMG Guidelines, 2015. Collection method: clinical testing. Allele origin: germline.
Comment: The WASF1 c.341G>C variant is predicted to result in the amino acid substitution p.Arg114Pro. To our knowledge, this variant has not been reported in the literature or in a large population database, indicating this variant is rare. At this time, the clinical significance of this variant is uncertain due to the absence of conclusive functional and genetic evidence.